The following is an entry in ClinVar:

NM_001931.5(DLAT):c.1291-245A>G

Gene: DLAT (dihydrolipoamide S-acetyltransferase; plus strand). Cytogenetic location: 11q23.1.
Variant type: single nucleotide variant.
Coding change: c.1291-245A>G on transcript NM_001931.5 (MANE Select); 245 bases into the intron before coding-DNA position 1291, A replaced by G.
Molecular consequence: intron variant.
Genome position (GRCh38, 1-based): chr11:112,045,618, A>G. VCF-style: chr11-112045618-A-G. GRCh37 (hg19) VCF-style: chr11-111916342-A-G.
Other names: c.829-245A>G (NM_001372042.1); c.1291-245A>G (NM_001372031.1, NM_001372033.1); c.1290+388A>G (NM_001372035.1); c.1285-245A>G (NM_001372032.1); c.976-245A>G (NM_001372039.1); c.975+388A>G (NM_001372041.1); c.1012-245A>G (NM_001372038.1); c.910-245A>G (NM_001372040.1); and 3 more.
Identifiers: ClinVar variation 669711 (VCV000669711.1), dbSNP rs646469, ClinGen allele CA13396861.

ClinVar aggregate classification (germline): Benign (1 of 4 stars; one submission).

Allele frequency attached by ClinVar (database versions not stated): gnomAD 0.50338 and 0.51153; TOPMed 0.51801; 1000 Genomes Project 0.54193; 1000 Genomes Project 30x 0.54325.
gnomAD v4.1: 76,135 of 151,410 alleles (50%); highest among the groups gnomAD compares: African/African-American, 78%; 21,470 homozygotes.

Submission:

GeneDx
Classification: Benign. Last evaluated: 2018-06-14. Review status: criteria provided, single submitter. Criteria: GeneDx Variant Classification (06012015). Collection method: clinical testing. Allele origin: germline. Affected: yes.
Comment: This variant is considered likely benign or benign based on one or more of the following criteria: it is a conservative change, it occurs at a poorly conserved position in the protein, it is predicted to be benign by multiple in silico algorithms, and/or has population frequency not consistent with disease.